The following is an entry in ClinVar:

ClinVar aggregate classification (germline): Uncertain significance. Review status: criteria provided, multiple submitters, no conflicts (2 of 4 stars). 2 submissions from 2 submitters: Uncertain significance (2). Last evaluated 2025-01-08.

Conditions:
Aortic valve disease 2 (AOVD2). Identifiers: MedGen C3542024, MONDO:0013902, OMIM 614823.

Submissions (2):

Mayo Clinic Laboratories, Mayo Clinic
Classification: Uncertain significance. Last evaluated: 2025-01-08. Review status: criteria provided, single submitter. Criteria: ACMG Guidelines, 2015. Collection method: clinical testing. Allele origin: germline. Observed: 1 variant allele.
Comment: PM2_supporting

Labcorp Genetics (formerly Invitae), Labcorp
Classification: Uncertain significance for Aortic valve disease 2. Last evaluated: 2023-01-10. Review status: criteria provided, single submitter. Criteria: Invitae Variant Classification Sherloc (09022015). Collection method: clinical testing. Allele origin: germline.
Comment: In summary, the available evidence is currently insufficient to determine the role of this variant in disease. Therefore, it has been classified as a Variant of Uncertain Significance. Algorithms developed to predict the effect of missense changes on protein structure and function are either unavailable or do not agree on the potential impact of this missense change (SIFT: "Deleterious"; PolyPhen-2: "Probably Damaging"; Align-GVGD: "Class C0"). This variant has not been reported in the literature in individuals affected with SMAD6-related conditions. This variant is not present in population databases (gnomAD no frequency). This sequence change replaces arginine, which is basic and polar, with glutamine, which is neutral and polar, at codon 11 of the SMAD6 protein (p.Arg11Gln).

NM_005585.5(SMAD6):c.32G>A (p.Arg11Gln)

Gene: SMAD6 (SMAD family member 6; plus strand). Cytogenetic location: 15q22.31.
Variant type: single nucleotide variant.
Coding change: c.32G>A on transcript NM_005585.5 (MANE Select); coding-DNA position 32, G replaced by A.
Protein change: p.Arg11Gln; replaces arginine 11 with glutamine.
Molecular consequence: missense variant. On other transcripts: non-coding transcript variant (1).
Genome position (GRCh38, 1-based): chr15:66,703,290, G>A. VCF-style: chr15-66703290-G-A. GRCh37 (hg19) VCF-style: chr15-66995628-G-A.
Other names: p.Arg11Gln; short protein forms R11Q.
Identifiers: ClinVar variation 2911527 (VCV002911527.4), dbSNP rs2545310242, ClinGen allele CA392948319.
Genomic context (GRCh38, chr15:66,703,290, plus strand): 5'-CCCCCACCCCTGGCGCCAAAGGATATCGTATGTTCAGGTCCAAACGCTCGGGGCTGGTGC[G>A]GCGACTTTGGCGAAGTCGTGTGGTCCCCGACCGGGAGGAAGGCGGCAGCGGCGGCGGCGG-3'
Protein context (NP_005576.3, residues 1-21): MFRSKRSGLV[Arg11Gln]RLWRSRVVPD